The following is an entry in ClinVar:

NM_000352.6(ABCC8):c.2500C>T (p.Arg834Cys)

Gene: ABCC8 (ATP binding cassette subfamily C member 8; minus strand). Cytogenetic location: 11p15.1.
Variant type: single nucleotide variant.
Coding change: c.2500C>T on transcript NM_000352.6 (MANE Select); coding-DNA position 2500, C replaced by T.
Protein change: p.Arg834Cys; replaces arginine 834 with cysteine.
Molecular consequence: missense variant. On other transcripts: non-coding transcript variant (1).
Genome position (GRCh38, 1-based): chr11:17,412,722, G>A on the plus strand (C>T on the coding strand, the complement: ABCC8 is on the minus strand). VCF-style: chr11-17412722-G-A. GRCh37 (hg19) VCF-style: chr11-17434269-G-A.
Other names: c.2503C>T, p.Arg835Cys (NM_001287174.3); c.2566C>T, p.Arg856Cys (NM_001351295.2); c.2500C>T, p.Arg834Cys (NM_001351296.2); c.2497C>T, p.Arg833Cys (NM_001351297.2); short protein forms R834C, R835C, R833C, R856C.
Identifiers: ClinVar variation 303772 (VCV000303772.9), dbSNP rs140068774, ClinGen allele CA5903107.
Genomic context (GRCh38, chr11:17,412,722, plus strand): 5'-TCACCAAGAAGACAACGTTGGCGTGCTGGTAGAGGGCTCGGGCCACACTGATTCGCTGGC[G>A]TTGACCACCAGACAGGTTGATGCCCTGTCACCAAAGAGGAGGAACACATCATGCCCTCAG-3'
Protein context (NP_000343.2, residues 824-844): ERGINLSGGQ[Arg834Cys]QRISVARALY

ClinVar aggregate classification (germline): Conflicting classifications of pathogenicity. Review status: criteria provided, conflicting classifications (1 of 4 stars). 7 submissions from 4 submitters: Uncertain significance (3); Likely benign (3). 1 of the submissions does not count toward it. Last evaluated 2022-05-25.

Conditions:
Transitory neonatal diabetes mellitus. Also called: Transient neonatal diabetes mellitus. Identifiers: MedGen C0342273, MONDO:0020525, HP:0008255.
Maturity-onset diabetes of the young (MODY). Also called: Maturity onset diabetes mellitus in young. Identifiers: Orphanet 552, MedGen C0342276, MONDO:0018911, HP:0004904.
Hyperinsulinemic hypoglycemia, familial, 1 (HHF1). Also called: Persistent hyperinsulinemic hypoglycemia of infancy; HYPERINSULINISM, FAMILIAL, WITH PANCREATIC NESIDIOBLASTOSIS; HYPOGLYCEMIA, HYPERINSULINEMIC, OF INFANCY; NESIDIOBLASTOSIS OF PANCREAS; Persistent Hyperinsulinemia Hypoglycemia of Infancy. Identifiers: Orphanet 276575, Orphanet 276598, MedGen C2931832, MONDO:0009734, OMIM 256450.
Permanent neonatal diabetes mellitus (PNDM). Identifiers: Orphanet 99885, MedGen C1833104, MONDO:0100164, MONDO:0011643. Disease mechanism: gain of function.
Diabetes mellitus, transient neonatal, 2 (TNDM2). Identifiers: Orphanet 99886, MedGen C1835887, MONDO:0012480, OMIM 610374. Disease mechanism: loss of function.

Allele frequency attached by ClinVar (database versions not stated): gnomAD 0.00004 and 0.00005; gnomAD exomes 0.00005; TOPMed 0.00006; ESP Exome Variant Server 0.00008; ExAC 0.00011; 1000 Genomes Project 30x 0.00016; 1000 Genomes Project 0.00020.

Submissions (7):

Labcorp Genetics (formerly Invitae), Labcorp
Classification: Uncertain significance. Last evaluated: 2022-05-25. Review status: criteria provided, single submitter. Criteria: Invitae Variant Classification Sherloc (09022015). Collection method: clinical testing. Allele origin: germline.
Comment: This sequence change replaces arginine, which is basic and polar, with cysteine, which is neutral and slightly polar, at codon 834 of the ABCC8 protein (p.Arg834Cys). This variant is present in population databases (rs140068774, gnomAD 0.03%). This missense change has been observed in individual(s) with clinical features of ABCC8-related conditions (PMID: 9519757). ClinVar contains an entry for this variant (Variation ID: 303772). Algorithms developed to predict the effect of missense changes on protein structure and function (SIFT, PolyPhen-2, Align-GVGD) all suggest that this variant is likely to be disruptive. Experimental studies are conflicting or provide insufficient evidence to determine the effect of this variant on ABCC8 function (PMID: 9519757). In summary, the available evidence is currently insufficient to determine the role of this variant in disease. Therefore, it has been classified as a Variant of Uncertain Significance.

Illumina Laboratory Services, Illumina
Classification: Likely benign for Hyperinsulinemic hypoglycemia, familial, 1. Last evaluated: 2017-04-27. Review status: criteria provided, single submitter. Criteria: ICSL Variant Classification Criteria 13 December 2019. Collection method: clinical testing. Allele origin: germline.
Comment: This variant was observed as part of a predisposition screen in an ostensibly healthy population. A literature search was performed for the gene, cDNA change, and amino acid change (where applicable). Publications were found based on this search. The evidence from the literature, in combination with allele frequency data from public databases where available, was sufficient to determine this variant is unlikely to cause disease. Therefore, this variant is classified as likely benign.

Illumina Laboratory Services, Illumina
Classification: Likely benign for Permanent neonatal diabetes mellitus 1. Last evaluated: 2017-04-27. Review status: criteria provided, single submitter. Criteria: ICSL Variant Classification Criteria 13 December 2019. Collection method: clinical testing. Allele origin: germline.
Comment: the same text as in the submission from Illumina Laboratory Services, Illumina above.

Illumina Laboratory Services, Illumina
Classification: Likely benign for Diabetes mellitus, transient neonatal, 2. Last evaluated: 2017-04-27. Review status: criteria provided, single submitter. Criteria: ICSL Variant Classification Criteria 13 December 2019. Collection method: clinical testing. Allele origin: germline.
Comment: the same text as in the submission from Illumina Laboratory Services, Illumina above.

Clinical Genomics, Uppaluri K&H Personalized Medicine Clinic
Classification: Uncertain significance for Maturity-onset diabetes of the young. Review status: criteria provided, single submitter. Criteria: K & H Uppaluri Personalized Medicine Clinic Variant Classification & Assertion Criteria_Updated V.1. Collection method: research. Allele origin: somatic. Inheritance: Somatic mutation.
Comment: Mutations in ABCC8 gene are associated with both neonatal diabetes mellitus as well as MODY. Patients with this mutation may have a better response to sulfonylureas. However, no sufficient evidence is found to ascertain the role of this particular variant ( rs140068774) in MODY yet.

Clinical Genomics, Uppaluri K&H Personalized Medicine Clinic
Classification: Uncertain significance for Transitory neonatal diabetes mellitus. Review status: criteria provided, single submitter. Criteria: K & H Uppaluri Personalized Medicine Clinic Variant Classification & Assertion Criteria_Updated V.1. Collection method: research. Allele origin: somatic. Inheritance: Somatic mutation.
Comment: Mutations in ABCC8 gene are associated with both neonatal diabetes mellitus as well as MODY. Patients with this mutation may have a better response to sulfonylureas. However, no sufficient evidence is found to ascertain the role of this particular variant ( rs140068774) in neonatal diabetes yet.

Department of Traditional Chinese Medicine, Fujian Provincial Hospital
Classification: Pathogenic for Maturity-onset diabetes of the young. Review status: no assertion criteria provided. Collection method: research. Allele origin: maternal. Not counted in ClinVar's aggregate classification.
Comment: The mutation is pathogenic according to ACMG score. Yasuharu et al. previously reported the related mutation (PMID:9519757). Therefore, the mutation of this patient may be consistent with their pathogenicity. Therefore, we believe that the new missense mutation in this patient is pathogenic.

Literature cited by the submitters: PubMed 9519757 (cited by Labcorp Genetics (formerly Invitae), Labcorp and Illumina Laboratory Services, Illumina); PubMed 16885549 (cited by Clinical Genomics, Uppaluri K&H Personalized Medicine Clinic); PubMed 21989597 (cited by Clinical Genomics, Uppaluri K&H Personalized Medicine Clinic); PubMed 27538677 (cited by Clinical Genomics, Uppaluri K&H Personalized Medicine Clinic); PubMed 18981553 (cited by Clinical Genomics, Uppaluri K&H Personalized Medicine Clinic); PubMed 32027066 (cited by Clinical Genomics, Uppaluri K&H Personalized Medicine Clinic); PubMed 16613899 (cited by Clinical Genomics, Uppaluri K&H Personalized Medicine Clinic); PubMed 18025408 (cited by Clinical Genomics, Uppaluri K&H Personalized Medicine Clinic); PubMed 32792356 (cited by Clinical Genomics, Uppaluri K&H Personalized Medicine Clinic); DOI 10.2337/diabetes.47.3.476 (cited by Department of Traditional Chinese Medicine, Fujian Provincial Hospital).